The following is an entry in ClinVar:

NM_001018113.3(FANCB):c.829dup (p.Cys277fs)

Gene: FANCB (FA complementation group B; minus strand). Cytogenetic location: Xp22.2.
Variant type: Duplication.
Coding change: c.829dup on transcript NM_001018113.3 (MANE Select); coding-DNA position 829, one base duplicated (T; older notation c.829dupT).
Protein change: p.Cys277fs; shifts the reading frame from cysteine 277.
Molecular consequence: frameshift variant.
Genome position (GRCh38, 1-based): chrX:14,864,682, A duplicated on the plus strand (T on the coding strand, the reverse complement: FANCB is on the minus strand). VCF-style (leftmost placement, unchanged base first): chrX-14864681-C-CA. GRCh37 (hg19) VCF-style: chrX-14882803-C-CA.
Other names: c.829dup (NM_001018113.1); c.829dup, p.Cys277fs (NM_001324162.2, NM_152633.4); short protein forms C277fs.
Identifiers: ClinVar variation 691301 (VCV000691301.3), dbSNP rs1602005335, ClinGen allele CA915950780.

ClinVar aggregate classification (germline): Pathogenic. Review status: no assertion criteria provided (0 of 4 stars). 2 submissions from 2 submitters: Pathogenic (2). Last evaluated 2020-02-28.

Conditions:
Fanconi anemia complementation group B (FANCB). Also called: FANCB-Related Fanconi Anemia; FANCONI PANCYTOPENIA, TYPE 2. Identifiers: Orphanet 84, MedGen C1845292, MONDO:0010351, OMIM 300514.

Submissions (2):

Leiden Open Variation Database
Classification: Pathogenic for Fanconi anemia complementation group B. Last evaluated: 2020-02-28. Review status: no assertion criteria provided. Collection method: curation. Allele origin: germline. Affected: yes.
Comment: Curator: Arleen D. Auerbach. Submitters to LOVD: Arleen D. Auerbach, Johan de Winter.

OMIM
Classification: Pathogenic for FANCONI ANEMIA, COMPLEMENTATION GROUP B. Last evaluated: 2004-11-01. Review status: no assertion criteria provided. Collection method: literature only. Allele origin: germline.

Literature cited by the submitters: PubMed 15502827 (cited by Leiden Open Variation Database and OMIM); PubMed 17924555 (cited by Leiden Open Variation Database).